The following is an entry in ClinVar:

ClinVar aggregate classification (germline): Pathogenic. Review status: criteria provided, multiple submitters, no conflicts (2 of 4 stars). 2 submissions from 2 submitters: Pathogenic (2). Last evaluated 2026-08-02.

Conditions:
Cohen syndrome (COH1). Also called: Cutis verticis gyrata, retinitis pigmentosa, and sensorineural deafness; PEPPER SYNDROME. Identifiers: Orphanet 193, MedGen C0265223, MONDO:0008999, OMIM 216550.

Submissions (2):

Myriad Genetics, Inc.
Classification: Pathogenic for Cohen syndrome. Last evaluated: 2026-08-02. Review status: criteria provided, single submitter. Criteria: Myriad Autosomal Dominant, Autosomal Recessive and X-Linked Classification Criteria (2023). Collection method: clinical testing. Allele origin: unknown.
Comment: NM_017890.4(VPS13B):c.11199C>G(Y3733*) is expected to be pathogenic in the context of Cohen syndrome. This variant is predicted to lead to an abnormal or absent protein product due to the creation of a premature termination codon in VPS13B, a gene where loss-of-function variants are known to be pathogenic. Please note: this variant was assessed in the context of healthy population screening.

Labcorp Genetics (formerly Invitae), Labcorp
Classification: Pathogenic for Cohen syndrome. Last evaluated: 2021-09-14. Review status: criteria provided, single submitter. Criteria: Invitae Variant Classification Sherloc (09022015). Collection method: clinical testing. Allele origin: germline.
Comment: This sequence change creates a premature translational stop signal (p.Tyr3733*) in the VPS13B gene. It is expected to result in an absent or disrupted protein product. Loss-of-function variants in VPS13B are known to be pathogenic (PMID: 15141358, 16648375, 20461111). This variant is not present in population databases (ExAC no frequency). For these reasons, this variant has been classified as Pathogenic. This variant has not been reported in the literature in individuals affected with VPS13B-related conditions.

Literature cited by the submitters: PubMed 15141358 (cited by Labcorp Genetics (formerly Invitae), Labcorp); PubMed 16648375 (cited by Labcorp Genetics (formerly Invitae), Labcorp); PubMed 20461111 (cited by Labcorp Genetics (formerly Invitae), Labcorp).

NM_152564.5(VPS13B):c.11124C>G (p.Tyr3708Ter)

Gene: VPS13B (vacuolar protein sorting 13 homolog B; plus strand). Cytogenetic location: 8q22.2.
Variant type: single nucleotide variant.
Coding change: c.11124C>G on transcript NM_152564.5 (MANE Select); coding-DNA position 11124, C replaced by G.
Protein change: p.Tyr3708Ter; replaces tyrosine 3708 with a stop codon.
Molecular consequence: nonsense.
Genome position (GRCh38, 1-based): chr8:99,861,855, C>G. VCF-style: chr8-99861855-C-G. GRCh37 (hg19) VCF-style: chr8-100874083-C-G.
Other names: c.11199C>G, p.Tyr3733Ter (NM_017890.5); short protein forms Y3708*, Y3733*.
Identifiers: ClinVar variation 1449125 (VCV001449125.7), dbSNP rs2130941863, ClinGen allele CA371790526.